The following is an entry in ClinVar:

NM_000135.4(FANCA):c.4009A>G (p.Ser1337Gly)

Genes: ZNF276 (zinc finger protein 276; plus strand), FANCA (FA complementation group A; minus strand). Cytogenetic location: 16q24.3.
Variant type: single nucleotide variant.
Coding change: c.4009A>G on transcript NM_000135.4 (MANE Select); coding-DNA position 4009, A replaced by G.
Protein change: p.Ser1337Gly; replaces serine 1337 with glycine.
Molecular consequence: missense variant. On other transcripts: 3 prime UTR variant (2), non-coding transcript variant (4).
Genome position (GRCh38, 1-based): chr16:89,739,479, T>C on the plus strand (A>G on the coding strand, the complement: FANCA is on the minus strand). VCF-style: chr16-89739479-T-C. GRCh37 (hg19) VCF-style: chr16-89805887-T-C.
Other names: c.4009A>G, p.Ser1337Gly (NM_001286167.3); c.*1233T>C (NM_001113525.2, NM_152287.4); short protein forms S1337G.
Identifiers: ClinVar variation 974060 (VCV000974060.1), dbSNP rs1268944859, ClinGen allele CA397484737.

ClinVar aggregate classification (germline): Pathogenic (0 of 4 stars; one submission).

Conditions:
Fanconi anemia complementation group A (FANCA). Also called: Fanconi anemia, group A; FANCA-Related Fanconi Anemia. Identifiers: Orphanet 84, MedGen C3469521, MONDO:0009215, OMIM 227650.

Allele frequency attached by ClinVar (database versions not stated): TOPMed below 0.00001.

Submission:

Leiden Open Variation Database
Classification: Pathogenic for Fanconi anemia complementation group A. Last evaluated: 2020-02-28. Review status: no assertion criteria provided. Collection method: curation. Allele origin: germline. Affected: yes.
Comment: Curator: Arleen D. Auerbach. Submitter to LOVD: Arleen D. Auerbach.